The following is an entry in ClinVar:

NM_000312.4(PROC):c.804T>A (p.Tyr268Ter)

Gene: PROC (protein C, inactivator of coagulation factors Va and VIIIa; plus strand). Cytogenetic location: 2q14.3.
Variant type: single nucleotide variant.
Coding change: c.804T>A on transcript NM_000312.4 (MANE Select); coding-DNA position 804, T replaced by A.
Protein change: p.Tyr268Ter; replaces tyrosine 268 with a stop codon.
Molecular consequence: nonsense.
Genome position (GRCh38, 1-based): chr2:127,428,364, T>A. VCF-style: chr2-127428364-T-A. GRCh37 (hg19) VCF-style: chr2-128185940-T-A.
Other names: c.990T>A, p.Tyr330Ter (NM_001375607.1); c.747T>A, p.Tyr249Ter (NM_001375608.1); c.780T>A, p.Tyr260Ter (NM_001375609.1); c.798T>A, p.Tyr266Ter (NM_001375610.1); c.804T>A, p.Tyr268Ter (NM_001375611.1, NM_001375613.1); c.987T>A, p.Tyr329Ter (NM_001375602.1); c.969T>A, p.Tyr323Ter (NM_001375603.1); c.867T>A, p.Tyr289Ter (NM_001375604.1); and 2 more; short protein forms Y249*, Y260*, Y266*, Y268*, Y289*, Y302*, Y323*, Y324*.
Identifiers: ClinVar variation 5040011 (VCV005040011.1).

ClinVar aggregate classification (germline): Likely pathogenic (1 of 4 stars; one submission).

Submission:

CeGaT Center for Human Genetics Tuebingen
Classification: Likely pathogenic. Last evaluated: 2026-07-01. Review status: criteria provided, single submitter. Criteria: CeGaT Center For Human Genetics Tuebingen Variant Classification Criteria Version 2. Collection method: clinical testing. Allele origin: germline. Affected: yes. Observed: 1 variant allele.
Comment: PROC: PVS1:Strong, PM2